The following is an entry in ClinVar:

ClinVar aggregate classification (germline): Uncertain significance. Review status: criteria provided, multiple submitters, no conflicts (2 of 4 stars). 2 submissions from 2 submitters: Uncertain significance (2). Last evaluated 2025-09-10.

Conditions:
Hereditary cancer-predisposing syndrome. Also called: Neoplastic Syndromes, Hereditary; Tumor predisposition; Hereditary Cancer Syndrome; Hereditary neoplastic syndrome. Identifiers: Orphanet 140162, MedGen C0027672, MeSH D009386, MONDO:0015356.
Gorlin syndrome. Also called: Nevoid Basal Cell Carcinoma Syndrome; Basal cell nevus syndrome. Identifiers: Orphanet 377, MedGen C0004779, MONDO:0007187.

Submissions (2):

Ambry Genetics
Classification: Uncertain significance for Hereditary cancer-predisposing syndrome. Last evaluated: 2025-09-10. Review status: criteria provided, single submitter. Criteria: Ambry Variant Classification Scheme 2023. Collection method: clinical testing. Allele origin: germline.
Comment: The p.L550I variant (also known as c.1648C>A), located in coding exon 12 of the PTCH1 gene, results from a C to A substitution at nucleotide position 1648. The leucine at codon 550 is replaced by isoleucine, an amino acid with highly similar properties. This amino acid position is conserved. In addition, the in silico prediction for this alteration is inconclusive. Based on the available evidence, the clinical significance of this variant remains unclear.

Labcorp Genetics (formerly Invitae), Labcorp
Classification: Uncertain significance for Gorlin syndrome. Last evaluated: 2025-05-13. Review status: criteria provided, single submitter. Criteria: Invitae Variant Classification Sherloc (09022015). Collection method: clinical testing. Allele origin: germline.
Comment: This sequence change replaces leucine, which is neutral and non-polar, with isoleucine, which is neutral and non-polar, at codon 550 of the PTCH1 protein (p.Leu550Ile). This variant is not present in population databases (gnomAD no frequency). This variant has not been reported in the literature in individuals affected with PTCH1-related conditions. Invitae Evidence Modeling of protein sequence and biophysical properties (such as structural, functional, and spatial information, amino acid conservation, physicochemical variation, residue mobility, and thermodynamic stability) has been performed for this missense variant. However, the output from this modeling did not meet the statistical confidence thresholds required to predict the impact of this variant on PTCH1 protein function. In summary, the available evidence is currently insufficient to determine the role of this variant in disease. Therefore, it has been classified as a Variant of Uncertain Significance.

NM_000264.5(PTCH1):c.1648C>A (p.Leu550Ile)

Gene: PTCH1 (patched 1; minus strand). Cytogenetic location: 9q22.32.
Variant type: single nucleotide variant.
Coding change: c.1648C>A on transcript NM_000264.5 (MANE Select); coding-DNA position 1648, C replaced by A.
Protein change: p.Leu550Ile; replaces leucine 550 with isoleucine.
Molecular consequence: missense variant. On other transcripts: non-coding transcript variant (1).
Genome position (GRCh38, 1-based): chr9:95,476,114, G>T on the plus strand (C>A on the coding strand, the complement: PTCH1 is on the minus strand). VCF-style: chr9-95476114-G-T. GRCh37 (hg19) VCF-style: chr9-98238396-G-T.
Other names: c.1450C>A, p.Leu484Ile (NM_001083602.3); c.1645C>A, p.Leu549Ile (NM_001083603.3); c.1195C>A, p.Leu399Ile (NM_001083604.3, NM_001083605.3, NM_001083606.3 and 1 more transcripts); c.1492C>A, p.Leu498Ile (NM_001354918.2); short protein forms L399I, L484I, L549I, L498I, L550I.
Identifiers: ClinVar variation 4146908 (VCV004146908.2).